The following is an entry in ClinVar:

ClinVar aggregate classification (germline): Uncertain significance (1 of 4 stars; one submission).

Conditions:
Long QT syndrome (LQTS). Identifiers: MedGen C0023976, MeSH D008133, MONDO:0002442. Disease mechanism: loss of function. Inheritance: Various modes of inheritance.

Allele frequency attached by ClinVar (database versions not stated): gnomAD exomes below 0.00001.
gnomAD v4.1: 1 of 1,613,482 alleles (0.000062%); highest among the groups gnomAD compares: Non-Finnish European, 0.000085%; no homozygotes.

Submission:

Labcorp Genetics (formerly Invitae), Labcorp
Classification: Uncertain significance for Long QT syndrome. Last evaluated: 2023-12-06. Review status: criteria provided, single submitter. Criteria: Invitae Variant Classification Sherloc (09022015). Collection method: clinical testing. Allele origin: germline.
Comment: This sequence change replaces asparagine, which is neutral and polar, with serine, which is neutral and polar, at codon 1039 of the AKAP9 protein (p.Asn1039Ser). This variant is present in population databases (no rsID available, gnomAD 0.0009%). This variant has not been reported in the literature in individuals affected with AKAP9-related conditions. ClinVar contains an entry for this variant (Variation ID: 2162043). Algorithms developed to predict the effect of missense changes on protein structure and function output the following: SIFT: "Not Available"; PolyPhen-2: "Benign"; Align-GVGD: "Not Available". The serine amino acid residue is found in multiple mammalian species, which suggests that this missense change does not adversely affect protein function. In summary, the available evidence is currently insufficient to determine the role of this variant in disease. Therefore, it has been classified as a Variant of Uncertain Significance.

NM_005751.5(AKAP9):c.3116A>G (p.Asn1039Ser)

Gene: AKAP9 (A-kinase anchoring protein 9; plus strand). Cytogenetic location: 7q21.2.
Variant type: single nucleotide variant.
Coding change: c.3116A>G on transcript NM_005751.5 (MANE Select); coding-DNA position 3116, A replaced by G.
Protein change: p.Asn1039Ser; replaces asparagine 1039 with serine.
Molecular consequence: missense variant.
Genome position (GRCh38, 1-based): chr7:92,003,033, A>G. VCF-style: chr7-92003033-A-G. GRCh37 (hg19) VCF-style: chr7-91632347-A-G.
Other names: c.3116A>G, p.Asn1039Ser (NM_147185.3); short protein forms N1039S.
Identifiers: ClinVar variation 2162043 (VCV002162043.4), dbSNP rs1204913884, ClinGen allele CA368125670.